The following is an entry in ClinVar:

NM_020884.7(MYH7B):c.5431G>A (p.Ala1811Thr)

Gene: MYH7B (myosin heavy chain 7B; plus strand). Cytogenetic location: 20q11.22.
Variant type: single nucleotide variant.
Coding change: c.5431G>A on transcript NM_020884.7 (MANE Select); coding-DNA position 5431, G replaced by A.
Protein change: p.Ala1811Thr; replaces alanine 1811 with threonine.
Molecular consequence: missense variant.
Genome position (GRCh38, 1-based): chr20:35,001,114, G>A. VCF-style: chr20-35001114-G-A. GRCh37 (hg19) VCF-style: chr20-33588917-G-A.
Other names: short protein forms A1811T.
Identifiers: ClinVar variation 3621577 (VCV003621577.2).
Genomic context (GRCh38, chr20:35,001,114, plus strand): 5'-AAGACGCTGGAGCAGACGGTGCGCGAGCTCCAGGCCCGCCTTGAGGAGGCAGAACAGGCC[G>A]CCCTCCGTGGCGGGAAGAAGCAGGTGCAGAAGCTGGAGGCCAAGGTGTGTGCAGCCCCTC-3'
Protein context (NP_065935.4, residues 1801-1821): QARLEEAEQA[Ala1811Thr]LRGGKKQVQK

ClinVar aggregate classification (germline): Uncertain significance (1 of 4 stars; one submission).

gnomAD v4.1: 52 of 1,613,720 alleles (0.0032%); highest among the groups gnomAD compares: Non-Finnish European, 0.0037%; no homozygotes.

Submission:

Labcorp Genetics (formerly Invitae), Labcorp
Classification: Uncertain significance. Last evaluated: 2024-05-06. Review status: criteria provided, single submitter. Criteria: Invitae Variant Classification Sherloc (09022015). Collection method: clinical testing. Allele origin: germline.
Comment: This sequence change replaces alanine, which is neutral and non-polar, with threonine, which is neutral and polar, at codon 1853 of the MYH7B protein (p.Ala1853Thr). The frequency data for this variant in the population databases is considered unreliable, as metrics indicate poor data quality at this position in the gnomAD database. This variant has not been reported in the literature in individuals affected with MYH7B-related conditions. Advanced modeling of protein sequence and biophysical properties (such as structural, functional, and spatial information, amino acid conservation, physicochemical variation, residue mobility, and thermodynamic stability) has been performed at Invitae for this missense variant, however the output from this modeling did not meet the statistical confidence thresholds required to predict the impact of this variant on MYH7B protein function. In summary, the available evidence is currently insufficient to determine the role of this variant in disease. Therefore, it has been classified as a Variant of Uncertain Significance.